The following is an entry in ClinVar:

ClinVar aggregate classification (germline): Uncertain significance. Review status: criteria provided, multiple submitters, no conflicts (2 of 4 stars). 2 submissions from 2 submitters: Uncertain significance (2). Last evaluated 2023-12-16.

Conditions:
KAT5-related disorder. Also called: KAT5-related condition.

Allele frequency attached by ClinVar (database versions not stated): gnomAD 0.00002; ExAC 0.00003; gnomAD exomes 0.00004; TOPMed 0.00004; ESP Exome Variant Server 0.00008.
gnomAD v4.1: 55 of 1,541,532 alleles (0.0036%); highest among the groups gnomAD compares: Middle Eastern, 0.1%; no homozygotes.

Submissions (2):

Ambry Genetics
Classification: Uncertain significance. Last evaluated: 2023-12-16. Review status: criteria provided, single submitter. Criteria: Ambry Variant Classification Scheme 2023. Collection method: clinical testing. Allele origin: germline.

PreventionGenetics, part of Exact Sciences
Classification: Uncertain significance for KAT5-related condition. Last evaluated: 2023-03-22. Review status: criteria provided, single submitter. Criteria: ACMG Guidelines, 2015. Collection method: clinical testing. Allele origin: germline.
Comment: The KAT5 c.95T>A variant is predicted to result in the amino acid substitution p.Val32Asp. To our knowledge, this variant has not been reported in the literature. This variant is reported in 0.0048% of alleles in individuals of European (Non-Finnish) descent in gnomAD. At this time, the clinical significance of this variant is uncertain due to the absence of conclusive functional and genetic evidence.

NM_182710.3(KAT5):c.95T>A (p.Val32Asp)

Genes: KAT5 (lysine acetyltransferase 5; plus strand), LOC130006059 (ATAC-STARR-seq lymphoblastoid silent region 3551; plus strand). Cytogenetic location: 11q13.1.
Variant type: single nucleotide variant.
Coding change: c.95T>A on transcript NM_182710.3 (MANE Select); coding-DNA position 95, T replaced by A.
Protein change: p.Val32Asp; replaces valine 32 with aspartic acid.
Molecular consequence: missense variant. On other transcripts: intron variant (2).
Genome position (GRCh38, 1-based): chr11:65,712,362, T>A. VCF-style: chr11-65712362-T-A. GRCh37 (hg19) VCF-style: chr11-65479833-T-A.
Other names: c.95T>A, p.Val32Asp (NM_001206833.2); c.13-17T>A (NM_006388.4, NM_182709.3); short protein forms V32D.
Identifiers: ClinVar variation 2636040 (VCV002636040.2), dbSNP rs146788368, ClinGen allele CA6107040.